The following is an entry in ClinVar:

NM_020442.6(VARS2):c.2292_2295delinsACCT (p.Phe764_Val765delinsLeuPro)

Genes: VARS2 (valyl-tRNA synthetase 2, mitochondrial; plus strand), LOC126859646 (MED14-independent group 3 enhancer GRCh37_chr6:30889690-30890889; plus strand). Cytogenetic location: 6p21.33.
Variant type: Indel.
Coding change: c.2292_2295delinsACCT on transcript NM_020442.6 (MANE Select); coding-DNA positions 2292 to 2295, TGTG replaced by ACCT.
Protein change: p.Phe764_Val765delinsLeuPro.
Molecular consequence: missense variant.
Genome position (GRCh38, 1-based): chr6:30,923,210-30,923,213, TGTG replaced by ACCT. VCF-style: chr6-30923210-TGTG-ACCT. GRCh37 (hg19) VCF-style: chr6-30890987-TGTG-ACCT.
Other names: c.1872_1875delinsACCT, p.Phe624_Val625delinsLeuPro (NM_001167733.3); c.2382_2385delinsACCT, p.Phe794_Val795delinsLeuPro (NM_001167734.2).
Identifiers: ClinVar variation 1684115 (VCV001684115.3), dbSNP rs2150566207, ClinGen allele CA2573140187.

ClinVar aggregate classification (germline): Uncertain significance (1 of 4 stars; one submission).

Submission:

GeneDx
Classification: Uncertain significance. Last evaluated: 2025-06-25. Review status: criteria provided, single submitter. Criteria: GeneDx Variant Classification Process June 2021. Collection method: clinical testing. Allele origin: germline. Affected: yes.
Comment: Not observed at significant frequency in large population cohorts (gnomAD); In silico analysis supports a deleterious effect on protein structure/function; Has not been previously published as pathogenic or benign to our knowledge